The following is an entry in ClinVar:

NM_001367624.2(ZNF469):c.4399C>T (p.Pro1467Ser)

Gene: ZNF469 (zinc finger protein 469; plus strand). Cytogenetic location: 16q24.2.
Variant type: single nucleotide variant.
Coding change: c.4399C>T on transcript NM_001367624.2 (MANE Select); coding-DNA position 4399, C replaced by T.
Protein change: p.Pro1467Ser; replaces proline 1467 with serine.
Molecular consequence: missense variant.
Genome position (GRCh38, 1-based): chr16:88,431,869, C>T. VCF-style: chr16-88431869-C-T. GRCh37 (hg19) VCF-style: chr16-88498277-C-T.
Other names: NM_001127464.1:c.4315C>T; short protein forms P1467S.
Identifiers: ClinVar variation 1197284 (VCV001197284.9), dbSNP rs761094844, ClinGen allele CA8224948.

ClinVar aggregate classification (germline): Uncertain significance. Review status: criteria provided, multiple submitters, no conflicts (2 of 4 stars). 4 submissions from 4 submitters: Uncertain significance (4). Last evaluated 2026-05-04.

Conditions:
Cardiovascular phenotype. Identifiers: MedGen CN230736.

Allele frequency attached by ClinVar (database versions not stated): gnomAD 0.00001; TOPMed 0.00002; gnomAD exomes 0.00002 and 0.00003; ExAC 0.00005.
gnomAD v4.1: 32 of 1,549,872 alleles (0.0021%); highest among the groups gnomAD compares: Non-Finnish European, 0.0028%; no homozygotes.

Submissions (4):

Women's Health and Genetics/Laboratory Corporation of America, LabCorp
Classification: Uncertain significance. Last evaluated: 2026-05-04. Review status: criteria provided, single submitter. Criteria: LabCorp Variant Classification Summary - May 2015. Collection method: clinical testing. Allele origin: germline.
Comment: Variant summary: ZNF469 c.4399C>T (p.Pro1467Ser) results in a non-conservative amino acid change in the encoded protein sequence. Algorithms developed to predict the effect of missense changes on protein structure and function are either unavailable or do not agree on the potential impact of this missense change. The variant allele was found at a frequency of 2.6e-05 in 153654 control chromosomes. The available data on variant occurrences in the general population are insufficient to allow any conclusion about variant significance. To our knowledge, no occurrence of c.4399C>T in individuals affected with ZNF469-related conditions and no experimental evidence demonstrating its impact on protein function have been reported. ClinVar contains an entry for this variant (Variation ID: 1197284). Based on the evidence outlined above, the variant was classified as uncertain significance.

Ambry Genetics
Classification: Uncertain significance for Cardiovascular phenotype. Last evaluated: 2024-12-31. Review status: criteria provided, single submitter. Criteria: Ambry Variant Classification Scheme 2023. Collection method: clinical testing. Allele origin: germline.

GeneDx
Classification: Uncertain significance. Last evaluated: 2024-05-28. Review status: criteria provided, single submitter. Criteria: GeneDx Variant Classification Process June 2021. Collection method: clinical testing. Allele origin: germline. Affected: yes.
Comment: Not observed at significant frequency in large population cohorts (gnomAD); In silico analysis supports that this missense variant has a deleterious effect on protein structure/function; Has not been previously published as pathogenic or benign to our knowledge

Labcorp Genetics (formerly Invitae), Labcorp
Classification: Uncertain significance. Last evaluated: 2021-09-20. Review status: criteria provided, single submitter. Criteria: Invitae Variant Classification Sherloc (09022015). Collection method: clinical testing. Allele origin: germline.
Comment: This sequence change replaces proline with serine at codon 1439 of the ZNF469 protein (p.Pro1439Ser). The proline residue is moderately conserved and there is a moderate physicochemical difference between proline and serine. The frequency data for this variant in the population databases is considered unreliable, as metrics indicate poor data quality at this position in the ExAC database. This variant has not been reported in the literature in individuals affected with ZNF469-related conditions. Algorithms developed to predict the effect of missense changes on protein structure and function are either unavailable or do not agree on the potential impact of this missense change (SIFT: "Deleterious"; PolyPhen-2: "Probably Damaging"; Align-GVGD: "Class C0"). In summary, the available evidence is currently insufficient to determine the role of this variant in disease. Therefore, it has been classified as a Variant of Uncertain Significance.